The following is an entry in ClinVar:

ClinVar aggregate classification (germline): Uncertain significance (1 of 4 stars; one submission).

Conditions:
Duchenne muscular dystrophy (DMD). Also called: MUSCULAR DYSTROPHY, PSEUDOHYPERTROPHIC PROGRESSIVE, DUCHENNE TYPE; Duchenne Muscular Dystrophy (DMD). Identifiers: Orphanet 98896, MedGen C0013264, MONDO:0010679, OMIM 310200.

Submission:

Labcorp Genetics (formerly Invitae), Labcorp
Classification: Uncertain significance for Duchenne muscular dystrophy. Last evaluated: 2019-11-07. Review status: criteria provided, single submitter. Criteria: Invitae Variant Classification Sherloc (09022015). Collection method: clinical testing. Allele origin: germline.
Comment: In summary, the available evidence is currently insufficient to determine the role of this variant in disease. Therefore, it has been classified as a Variant of Uncertain Significance. Experimental studies have shown that this variant disrupts mRNA splicing (PMID: 18059005). This variant has been observed in individual(s) with Becker muscular dystrophy (PMID: 18059005). This variant is also known as c.1331+17770C>G and IVS11+17770C>G in the literature. This sequence change falls in intron 11 of the DMD gene. It does not directly change the encoded amino acid sequence of the DMD protein. The frequency data for this variant in the population databases is considered unreliable, as metrics indicate insufficient coverage at this position in the ExAC database.

Literature cited by the submitters: PubMed 18059005.

NM_004006.3(DMD):c.1332-11909C>G

Gene: DMD (dystrophin; minus strand). Cytogenetic location: Xp21.1.
Variant type: single nucleotide variant.
Coding change: c.1332-11909C>G on transcript NM_004006.3 (MANE Select); 11909 bases into the intron before coding-DNA position 1332, C replaced by G.
Molecular consequence: intron variant.
Genome position (GRCh38, 1-based): chrX:32,626,362, G>C on the plus strand (C>G on the coding strand, the complement: DMD is on the minus strand). VCF-style: chrX-32626362-G-C. GRCh37 (hg19) VCF-style: chrX-32644479-G-C.
Other names: c.1308-11909C>G (NM_000109.4); c.1320-11909C>G (NM_004009.3); c.963-11909C>G (NM_004010.3).
Identifiers: ClinVar variation 972262 (VCV000972262.10), dbSNP rs1556861879, ClinGen allele CA1139667378.